The following is an entry in ClinVar:

ClinVar aggregate classification (germline): Uncertain significance (1 of 4 stars; one submission).

Allele frequency attached by ClinVar (database versions not stated): gnomAD 0.00001; ExAC 0.00002; gnomAD exomes 0.00002; TOPMed 0.00002; ESP Exome Variant Server 0.00008.

Submission:

Labcorp Genetics (formerly Invitae), Labcorp
Classification: Uncertain significance. Last evaluated: 2022-09-24. Review status: criteria provided, single submitter. Criteria: Invitae Variant Classification Sherloc (09022015). Collection method: clinical testing. Allele origin: germline.
Comment: This sequence change replaces arginine, which is basic and polar, with cysteine, which is neutral and slightly polar, at codon 373 of the CBX2 protein (p.Arg373Cys). This variant is present in population databases (rs148004690, gnomAD 0.007%). This variant has not been reported in the literature in individuals affected with CBX2-related conditions. Advanced modeling of protein sequence and biophysical properties (such as structural, functional, and spatial information, amino acid conservation, physicochemical variation, residue mobility, and thermodynamic stability) performed at Invitae indicates that this missense variant is not expected to disrupt CBX2 protein function. In summary, the available evidence is currently insufficient to determine the role of this variant in disease. Therefore, it has been classified as a Variant of Uncertain Significance.

NM_005189.3(CBX2):c.1117C>T (p.Arg373Cys)

Gene: CBX2 (chromobox 2; plus strand). Cytogenetic location: 17q25.3.
Variant type: single nucleotide variant.
Coding change: c.1117C>T on transcript NM_005189.3 (MANE Select); coding-DNA position 1117, C replaced by T.
Protein change: p.Arg373Cys; replaces arginine 373 with cysteine.
Molecular consequence: missense variant.
Genome position (GRCh38, 1-based): chr17:79,784,560, C>T. VCF-style: chr17-79784560-C-T. GRCh37 (hg19) VCF-style: chr17-77758359-C-T.
Other names: short protein forms R373C.
Identifiers: ClinVar variation 1945019 (VCV001945019.5), dbSNP rs148004690, ClinGen allele CA8811425.